The following is an entry in ClinVar:

ClinVar aggregate classification (germline): Uncertain significance (1 of 4 stars; one submission).

Submission:

Labcorp Genetics (formerly Invitae), Labcorp
Classification: Uncertain significance. Last evaluated: 2020-10-19. Review status: criteria provided, single submitter. Criteria: Invitae Variant Classification Sherloc (09022015). Collection method: clinical testing. Allele origin: germline.
Comment: In summary, the available evidence is currently insufficient to determine the role of this variant in disease. Therefore, it has been classified as a Variant of Uncertain Significance. Algorithms developed to predict the effect of missense changes on protein structure and function output the following: SIFT: "Tolerated"; PolyPhen-2: "Benign"; Align-GVGD: "Class C0". The aspartic acid amino acid residue is found in multiple mammalian species, suggesting that this missense change does not adversely affect protein function. These predictions have not been confirmed by published functional studies and their clinical significance is uncertain. This variant has not been reported in the literature in individuals with RNF31-related conditions. This variant is not present in population databases (ExAC no frequency). This sequence change replaces glycine with aspartic acid at codon 392 of the RNF31 protein (p.Gly392Asp). The glycine residue is weakly conserved and there is a moderate physicochemical difference between glycine and aspartic acid.

NM_017999.5(RNF31):c.1175G>A (p.Gly392Asp)

Gene: RNF31 (ring finger protein 31; plus strand). Cytogenetic location: 14q12.
Variant type: single nucleotide variant.
Coding change: c.1175G>A on transcript NM_017999.5 (MANE Select); coding-DNA position 1175, G replaced by A.
Protein change: p.Gly392Asp; replaces glycine 392 with aspartic acid.
Molecular consequence: missense variant.
Genome position (GRCh38, 1-based): chr14:24,150,426, G>A. VCF-style: chr14-24150426-G-A. GRCh37 (hg19) VCF-style: chr14-24619635-G-A.
Other names: c.722G>A, p.Gly241Asp (NM_001310332.2); short protein forms G241D, G392D.
Identifiers: ClinVar variation 1035672 (VCV001035672.9), dbSNP rs2038245357, ClinGen allele CA389292385.